The following is an entry in ClinVar:

ClinVar aggregate classification (germline): Uncertain significance. Review status: criteria provided, multiple submitters, no conflicts (2 of 4 stars). 3 submissions from 3 submitters: Uncertain significance (3). Last evaluated 2023-04-17.

Conditions:
Inborn genetic diseases. Identifiers: MedGen C0950123, MeSH D030342.

Allele frequency attached by ClinVar (database versions not stated): gnomAD exomes 0.00001.
gnomAD v4.1: 7 of 1,507,062 alleles (0.00046%); highest among the groups gnomAD compares: Non-Finnish European, 0.00062%; no homozygotes.

Submissions (3):

Labcorp Genetics (formerly Invitae), Labcorp
Classification: Uncertain significance. Last evaluated: 2023-04-17. Review status: criteria provided, single submitter. Criteria: Invitae Variant Classification Sherloc (09022015). Collection method: clinical testing. Allele origin: germline.
Comment: In summary, the available evidence is currently insufficient to determine the role of this variant in disease. Therefore, it has been classified as a Variant of Uncertain Significance. An algorithm developed to predict the effect of missense changes on protein structure and function (PolyPhen-2) suggests that this variant is likely to be disruptive. ClinVar contains an entry for this variant (Variation ID: 1919514). This variant has not been reported in the literature in individuals affected with PRDM13-related conditions. This variant is not present in population databases (gnomAD no frequency). This sequence change replaces arginine, which is basic and polar, with histidine, which is basic and polar, at codon 407 of the PRDM13 protein (p.Arg407His).

Blueprint Genetics
Classification: Uncertain significance. Last evaluated: 2021-11-23. Review status: criteria provided, single submitter. Criteria: ACMG Guidelines, 2015. Collection method: clinical testing. Allele origin: germline.

Ambry Genetics
Classification: Uncertain significance for Inborn genetic diseases. Last evaluated: 2021-09-16. Review status: criteria provided, single submitter. Criteria: Ambry Variant Classification Scheme 2023. Collection method: clinical testing. Allele origin: germline.

NM_021620.4(PRDM13):c.1220G>A (p.Arg407His)

Gene: PRDM13 (PR/SET domain 13; plus strand). Cytogenetic location: 6q16.2.
Variant type: single nucleotide variant.
Coding change: c.1220G>A on transcript NM_021620.4 (MANE Select); coding-DNA position 1220, G replaced by A.
Protein change: p.Arg407His; replaces arginine 407 with histidine.
Molecular consequence: missense variant.
Genome position (GRCh38, 1-based): chr6:99,613,855, G>A. VCF-style: chr6-99613855-G-A. GRCh37 (hg19) VCF-style: chr6-100061731-G-A.
Other names: short protein forms R407H.
Identifiers: ClinVar variation 1919514 (VCV001919514.7), dbSNP rs986381257, ClinGen allele CA143975566.
Genomic context (GRCh38, chr6:99,613,855, plus strand): 5'-GCGGCTTCCCTCTGCTCTCCGTCCCCCCGGAAGAGGCGTCCGCCTTCAAGCACGTGGAGC[G>A]CGCCCCGCCCGCAGCCGCCGCGCTGCCAGGAGCGCGTTATGCGCAGCTGCCCCCTGCGCC-3'
Protein context (NP_067633.2, residues 397-417): EEASAFKHVE[Arg407His]APPAAAALPG